The following is an entry in ClinVar:

ClinVar aggregate classification (germline): Uncertain significance (1 of 4 stars; one submission).

Conditions:
Developmental and epileptic encephalopathy. Identifiers: MedGen C5779964, MONDO:0100620.

Allele frequency attached by ClinVar (database versions not stated): gnomAD 0.00001; TOPMed 0.00002.

Submission:

Labcorp Genetics (formerly Invitae), Labcorp
Classification: Uncertain significance for Early-infantile DEE. Last evaluated: 2022-08-03. Review status: criteria provided, single submitter. Criteria: Invitae Variant Classification Sherloc (09022015). Collection method: clinical testing. Allele origin: germline.
Comment: This sequence change replaces arginine, which is basic and polar, with tryptophan, which is neutral and slightly polar, at codon 6 of the CACNA2D2 protein (p.Arg6Trp). This variant is present in population databases (no rsID available, gnomAD 0.06%). This variant has not been reported in the literature in individuals affected with CACNA2D2-related conditions. Algorithms developed to predict the effect of missense changes on protein structure and function are either unavailable or do not agree on the potential impact of this missense change (SIFT: "Deleterious"; PolyPhen-2: "Not Available"; Align-GVGD: "Class C0"). In summary, the available evidence is currently insufficient to determine the role of this variant in disease. Therefore, it has been classified as a Variant of Uncertain Significance.

NM_006030.4(CACNA2D2):c.16C>T (p.Arg6Trp)

Gene: CACNA2D2 (calcium voltage-gated channel auxiliary subunit alpha2delta 2; minus strand). Cytogenetic location: 3p21.31.
Variant type: single nucleotide variant.
Coding change: c.16C>T on transcript NM_006030.4 (MANE Select); coding-DNA position 16, C replaced by T.
Protein change: p.Arg6Trp; replaces arginine 6 with tryptophan.
Molecular consequence: missense variant. On other transcripts: intron variant (1).
Genome position (GRCh38, 1-based): chr3:50,503,408, G>A on the plus strand (C>T on the coding strand, the complement: CACNA2D2 is on the minus strand). VCF-style: chr3-50503408-G-A. GRCh37 (hg19) VCF-style: chr3-50540839-G-A.
Other names: c.16C>T, p.Arg6Trp (NM_001005505.3, NM_001174051.3, NM_001410768.1); c.-2+661C>T (NM_001291101.1); short protein forms R6W.
Identifiers: ClinVar variation 2077338 (VCV002077338.1), dbSNP rs1217312363, ClinGen allele CA353000545.
Genomic context (GRCh38, chr3:50,503,408, plus strand): 5'-CGCAGCCGGGCCAGGGGCGCGCAGTCCGCGCTGGGCCGGGCCGAGAGGCGCCGCAGGTCC[G>A]AGCCGGCACCGCCATGTTTCCATTCAAGATGCGGCGCCGCGGGGAGGGGGGGCAGTGGCG-3'
Protein context (NP_006021.2, residues 1-16): MAVPA[Arg6Trp]TCGASRPGPA